The following is an entry in ClinVar:

ClinVar aggregate classification (germline): Likely pathogenic (1 of 4 stars; one submission).

gnomAD v4.1: 1 of 1,610,390 alleles (0.000062%); highest among the groups gnomAD compares: Non-Finnish European, 0.000085%; no homozygotes.

Submission:

Labcorp Genetics (formerly Invitae), Labcorp
Classification: Likely pathogenic. Last evaluated: 2026-01-23. Review status: criteria provided, single submitter. Criteria: Invitae Variant Classification Sherloc (09022015). Collection method: clinical testing. Allele origin: germline.
Comment: This sequence change affects a donor splice site in intron 3 of the CCDC115 gene. It is expected to disrupt RNA splicing. Variants that disrupt the donor or acceptor splice site typically lead to a loss of protein function (PMID: 16199547), and loss-of-function variants in CCDC115 are known to be pathogenic (PMID: 26833332, 29759592). This variant is not present in population databases (gnomAD no frequency). This variant has not been reported in the literature in individuals affected with CCDC115-related conditions. Algorithms developed to predict the effect of sequence changes on RNA splicing suggest that this variant may disrupt the consensus splice site. In summary, the currently available evidence indicates that the variant is pathogenic, but additional data are needed to prove that conclusively. Therefore, this variant has been classified as Likely Pathogenic.

Literature cited by the submitters: PubMed 16199547; PubMed 26833332; PubMed 29759592.

NM_032357.4(VMA22):c.298+1G>A

Gene: VMA22 (vacuolar ATPase assembly factor VMA22; minus strand). Cytogenetic location: 2q21.1.
Variant type: single nucleotide variant.
Coding change: c.298+1G>A on transcript NM_032357.4 (MANE Select); the canonical splice donor site of the intron after coding-DNA position 298, G replaced by A.
Molecular consequence: splice donor variant.
Genome position (GRCh38, 1-based): chr2:130,341,666, C>T on the plus strand (G>A on the coding strand, the complement: VMA22 is on the minus strand). VCF-style: chr2-130341666-C-T. GRCh37 (hg19) VCF-style: chr2-131099239-C-T.
Other names: c.283+1G>A (NM_001321118.1); c.274+1G>A (NM_001321119.2).
Identifiers: ClinVar variation 4782326 (VCV004782326.1).
Genomic context (GRCh38, chr2:130,341,666, plus strand): 5'-ATAATTTGCATTTTGTCTTTGACACTGGGAAGGGGTTCTGCAGAAGGAAGAGGGGGCTCA[C>T]CTGCTTCGCGAGGCCCCACCTCCTCTGGGGCGTGGACACCAGCTCTCACCACCTTGAACT-3'